The following is an entry in ClinVar:

ClinVar aggregate classification (germline): Uncertain significance (1 of 4 stars; one submission).

Allele frequency attached by ClinVar (database versions not stated): gnomAD exomes below 0.00001; ExAC 0.00001.

Submission:

Labcorp Genetics (formerly Invitae), Labcorp
Classification: Uncertain significance. Last evaluated: 2022-03-11. Review status: criteria provided, single submitter. Criteria: Invitae Variant Classification Sherloc (09022015). Collection method: clinical testing. Allele origin: germline.
Comment: In summary, the available evidence is currently insufficient to determine the role of this variant in disease. Therefore, it has been classified as a Variant of Uncertain Significance. Algorithms developed to predict the effect of missense changes on protein structure and function are either unavailable or do not agree on the potential impact of this missense change (SIFT: "Not Available"; PolyPhen-2: "Benign"; Align-GVGD: "Not Available"). This variant has not been reported in the literature in individuals affected with LCT-related conditions. This variant is present in population databases (rs770365677, gnomAD 0.0009%). This sequence change replaces methionine, which is neutral and non-polar, with threonine, which is neutral and polar, at codon 290 of the LCT protein (p.Met290Thr).

NM_002299.4(LCT):c.869T>C (p.Met290Thr)

Gene: LCT (lactase; minus strand). Cytogenetic location: 2q21.3.
Variant type: single nucleotide variant.
Coding change: c.869T>C on transcript NM_002299.4 (MANE Select); coding-DNA position 869, T replaced by C.
Protein change: p.Met290Thr; replaces methionine 290 with threonine.
Molecular consequence: missense variant.
Genome position (GRCh38, 1-based): chr2:135,823,939, A>G on the plus strand (T>C on the coding strand, the complement: LCT is on the minus strand). VCF-style: chr2-135823939-A-G. GRCh37 (hg19) VCF-style: chr2-136581509-A-G.
Other names: short protein forms M290T.
Identifiers: ClinVar variation 2105305 (VCV002105305.4), dbSNP rs770365677, ClinGen allele CA1888510.